The following is an entry in ClinVar:

NM_012064.4(MIP):c.338G>A (p.Arg113Gln)

Gene: MIP (major intrinsic protein of lens fiber; minus strand). Cytogenetic location: 12q13.3.
Variant type: single nucleotide variant.
Coding change: c.338G>A on transcript NM_012064.4 (MANE Select); coding-DNA position 338, G replaced by A.
Protein change: p.Arg113Gln; replaces arginine 113 with glutamine.
Molecular consequence: missense variant.
Genome position (GRCh38, 1-based): chr12:56,454,276, C>T on the plus strand (G>A on the coding strand, the complement: MIP is on the minus strand). VCF-style: chr12-56454276-C-T. GRCh37 (hg19) VCF-style: chr12-56848060-C-T.
Other names: short protein forms R113Q.
Identifiers: ClinVar variation 1065596 (VCV001065596.1), dbSNP rs774928445, ClinGen allele CA237643090.

ClinVar aggregate classification (germline): Uncertain significance (0 of 4 stars; one submission).

Conditions:
Developmental cataract. Also called: Congenital cataracts; Bilateral cataracts; Congenital cataract. Identifiers: MedGen C0009691, HP:0000519.

Allele frequency attached by ClinVar (database versions not stated): gnomAD 0.00001; gnomAD exomes 0.00001.
gnomAD v4.1: 19 of 1,613,996 alleles (0.0012%); highest among the groups gnomAD compares: East Asian, 0.0022%; no homozygotes.

Submission:

Dept. Genetics and Cancer, Menzies Institute for Medical Research, University of Tasmania
Classification: Uncertain significance for Developmental cataract. Last evaluated: 2021-05-01. Review status: no assertion criteria provided. Criteria: ACMG Guidelines, 2015. Collection method: research. Allele origin: germline. Affected: yes.
Comment: PM2, PP3. Absent/near absent from population databases. Multiple predictive tools assessing variant as damaging/pathogenic. BS2.